The following is an entry in ClinVar:

NM_001009999.3(KDM1A):c.1942A>C (p.Thr648Pro)

Gene: KDM1A (lysine demethylase 1A; plus strand). Cytogenetic location: 1p36.12.
Variant type: single nucleotide variant.
Coding change: c.1942A>C on transcript NM_001009999.3 (MANE Select); coding-DNA position 1942, A replaced by C.
Protein change: p.Thr648Pro; replaces threonine 648 with proline.
Molecular consequence: missense variant.
Genome position (GRCh38, 1-based): chr1:23,079,064, A>C. VCF-style: chr1-23079064-A-C. GRCh37 (hg19) VCF-style: chr1-23405557-A-C.
Other names: c.1888A>C, p.Thr630Pro (NM_001363654.2); c.1948A>C, p.Thr650Pro (NM_001410762.1); c.1870A>C, p.Thr624Pro (NM_001410763.1, NM_015013.4); short protein forms T624P, T630P, T648P, T650P.
Identifiers: ClinVar variation 2572861 (VCV002572861.2), dbSNP rs951490579, ClinGen allele CA19215338.
Genomic context (GRCh38, chr1:23,079,064, plus strand): 5'-GCTGTGAATACCCGCTCCACGAGTCAAACCTTTATTTATAAATGCGACGCAGTTCTCTGT[A>C]CCCTTCCCCTGGGTGTGCTGAAGCAGCAGCCACCAGCCGTTCAGTTTGTGCCACCTCTCC-3'
Protein context (NP_001009999.1, residues 638-658): FIYKCDAVLC[Thr648Pro]LPLGVLKQQP

ClinVar aggregate classification (germline): Uncertain significance. Review status: criteria provided, multiple submitters, no conflicts (2 of 4 stars). 2 submissions from 2 submitters: Uncertain significance (2). Last evaluated 2025-08-01.

Conditions:
Inborn genetic diseases. Identifiers: MedGen C0950123, MeSH D030342.

Submissions (2):

Ambry Genetics
Classification: Uncertain significance for Inborn genetic diseases. Last evaluated: 2025-08-01. Review status: criteria provided, single submitter. Criteria: Ambry Variant Classification Scheme 2023. Collection method: clinical testing. Allele origin: germline.
Comment: The p.T648P variant (also known as c.1942A>C), located in coding exon 17 of the KDM1A gene, results from an A to C substitution at nucleotide position 1942. The threonine at codon 648 is replaced by proline, an amino acid with highly similar properties. This amino acid position is conserved. In addition, this alteration is predicted to be deleterious by in silico analysis. Based on the available evidence, the clinical significance of this variant remains unclear.

GeneDx
Classification: Uncertain significance. Last evaluated: 2023-01-13. Review status: criteria provided, single submitter. Criteria: GeneDx Variant Classification Process June 2021. Collection method: clinical testing. Allele origin: germline. Affected: yes.
Comment: Not observed at significant frequency in large population cohorts (gnomAD); In silico analysis supports that this missense variant has a deleterious effect on protein structure/function; Has not been previously published as pathogenic or benign to our knowledge